The following is an entry in ClinVar:

NM_000202.8(IDS):c.1224del (p.Thr409fs)

Gene: IDS (iduronate 2-sulfatase; minus strand). Cytogenetic location: Xq28.
Variant type: Deletion.
Coding change: c.1224del on transcript NM_000202.8 (MANE Select); coding-DNA position 1224, one base deleted (C; older notation c.1224delC).
Protein change: p.Thr409fs; shifts the reading frame from threonine 409.
Molecular consequence: frameshift variant.
Genome position (GRCh38, 1-based): chrX:149,483,175, G deleted on the plus strand (C on the coding strand, the reverse complement: IDS is on the minus strand); the first of 3 consecutive G bases (chrX:149,483,175-149,483,177); deleting any one gives the same sequence. VCF-style (leftmost placement, unchanged base first): chrX-149483174-TG-T. GRCh37 (hg19) VCF-style: chrX-148564705-TG-T.
Other names: c.954del, p.Thr319fs (NM_001166550.4); short protein forms T319fs, T409fs.
Identifiers: ClinVar variation 3255996 (VCV003255996.2).

ClinVar aggregate classification (germline): Pathogenic (1 of 4 stars; one submission).

Conditions:
Mucopolysaccharidosis, MPS-II (MPS2). Also called: Hunter Syndrome; IDURONATE 2-SULFATASE DEFICIENCY; Mucopolysaccharidosis Type II; Mucopolysaccharidosis type 2; Attenuated MPS (subtype; formerly known as mild MPS II); Severe MPS II. Identifiers: Orphanet 580, Orphanet 79388, MedGen C0026705, MONDO:0010674, OMIM 309900.

Submission:

Laboratory of Diagnosis and Therapy of Lysosomal Disorders, University of Padova
Classification: Pathogenic for Mucopolysaccharidosis, MPS-II. Last evaluated: 2024-06-07. Review status: criteria provided, single submitter. Criteria: ACMG Guidelines, 2015. Collection method: literature only. Allele origin: germline. Affected: yes. Observed: 4 variant alleles.
Comment: Null variant (PVS1_Strong), De novo (PS2_Moderate), Absent from controls (or at low frequency) in gnomAD database (PM2_Moderate), Cosegregation with disease in multiple affected family members (PP1_Moderate), Patient’s phenotype or family history highly specific for the disease (PP4_Strong)

Classification method: ACMG Guidelines [PMID:25741868] with modifications

Literature cited by the submitters: PubMed 34193122.